The following is an entry in ClinVar:

ClinVar aggregate classification (germline): Uncertain significance (1 of 4 stars; one submission).

Conditions:
X-linked immunodeficiency with magnesium defect, Epstein-Barr virus infection and neoplasia. Identifiers: Orphanet 317476, MedGen C3275445, MONDO:0010455, OMIM 300853.

Submission:

Labcorp Genetics (formerly Invitae), Labcorp
Classification: Uncertain significance for X-linked immunodeficiency with magnesium defect, Epstein-Barr virus infection and neoplasia. Last evaluated: 2025-02-13. Review status: criteria provided, single submitter. Criteria: Invitae Variant Classification Sherloc (09022015). Collection method: clinical testing. Allele origin: germline.
Comment: This sequence change replaces methionine, which is neutral and non-polar, with leucine, which is neutral and non-polar, at codon 77 of the MAGT1 protein (p.Met77Leu). This variant is present in population databases (no rsID available, gnomAD 0.005%), including at least one homozygous and/or hemizygous individual. This variant has not been reported in the literature in individuals affected with MAGT1-related conditions. ClinVar contains an entry for this variant (Variation ID: 2826775). Invitae Evidence Modeling of protein sequence and biophysical properties (such as structural, functional, and spatial information, amino acid conservation, physicochemical variation, residue mobility, and thermodynamic stability) indicates that this missense variant is not expected to disrupt MAGT1 protein function with a negative predictive value of 80%. In summary, the available evidence is currently insufficient to determine the role of this variant in disease. Therefore, it has been classified as a Variant of Uncertain Significance.

NM_001367916.1(MAGT1):c.133A>T (p.Met45Leu)

Gene: MAGT1 (magnesium transporter 1; minus strand). Cytogenetic location: Xq21.1.
Variant type: single nucleotide variant.
Coding change: c.133A>T on transcript NM_001367916.1 (MANE Select); coding-DNA position 133, A replaced by T.
Protein change: p.Met45Leu; replaces methionine 45 with leucine.
Molecular consequence: missense variant.
Genome position (GRCh38, 1-based): chrX:77,875,567, T>A on the plus strand (A>T on the coding strand, the complement: MAGT1 is on the minus strand). VCF-style: chrX-77875567-T-A. GRCh37 (hg19) VCF-style: chrX-77131064-T-A.
Other names: c.229A>T, p.Met77Leu (NM_032121.5); short protein forms M45L, M77L.
Identifiers: ClinVar variation 2826775 (VCV002826775.3), dbSNP rs1557217722, ClinGen allele CA413712236.